The following is an entry in ClinVar:

ClinVar aggregate classification (germline): Uncertain significance (1 of 4 stars; one submission).

Submission:

Labcorp Genetics (formerly Invitae), Labcorp
Classification: Uncertain significance. Last evaluated: 2025-12-01. Review status: criteria provided, single submitter. Criteria: Invitae Variant Classification Sherloc (09022015). Collection method: clinical testing. Allele origin: germline.
Comment: This variant, c.8742_8744del, results in the deletion of 1 amino acid(s) of the ASPM protein (p.Ile2916del), but otherwise preserves the integrity of the reading frame. This variant is present in population databases (rs755855719, gnomAD 0.0009%). This variant has not been reported in the literature in individuals affected with ASPM-related conditions. ClinVar contains an entry for this variant (Variation ID: 2167414). Experimental studies and prediction algorithms are not available or were not evaluated, and the functional significance of this variant is currently unknown. In summary, the available evidence is currently insufficient to determine the role of this variant in disease. Therefore, it has been classified as a Variant of Uncertain Significance.

NM_018136.5(ASPM):c.8742_8744del (p.Ile2916del)

Gene: ASPM (assembly factor for spindle microtubules; minus strand). Cytogenetic location: 1q31.3.
Variant type: Deletion.
Coding change: c.8742_8744del on transcript NM_018136.5 (MANE Select); coding-DNA positions 8742 to 8744, 3 bases deleted (CAT; older notation c.8742_8744delCAT).
Protein change: p.Ile2916del; deletes isoleucine 2916.
Molecular consequence: inframe deletion. On other transcripts: intron variant (1).
Genome position (GRCh38, 1-based): chr1:197,100,507-197,100,509, ATG deleted on the plus strand (CAT on the coding strand, the reverse complement: ASPM is on the minus strand); deleting any 3 consecutive bases within chr1:197,100,507-197,100,511 gives the same sequence; the c. name uses the placement nearest the transcript's 3' end. VCF-style (leftmost placement, unchanged base first): chr1-197100506-AATG-A. GRCh37 (hg19) VCF-style: chr1-197069636-AATG-A.
Other names: c.4066-4345_4066-4343del (NM_001206846.2); short protein forms I2916del.
Identifiers: ClinVar variation 2167414 (VCV002167414.4), dbSNP rs755855719, ClinGen allele CA1309159.